The following is an entry in ClinVar:

NM_001363711.2(DUOX2):c.3454T>C (p.Phe1152Leu)

Gene: DUOX2 (dual oxidase 2; minus strand). Cytogenetic location: 15q21.1.
Variant type: single nucleotide variant.
Coding change: c.3454T>C on transcript NM_001363711.2 (MANE Select); coding-DNA position 3454, T replaced by C.
Protein change: p.Phe1152Leu; replaces phenylalanine 1152 with leucine.
Molecular consequence: missense variant.
Genome position (GRCh38, 1-based): chr15:45,099,444, A>G on the plus strand (T>C on the coding strand, the complement: DUOX2 is on the minus strand). VCF-style: chr15-45099444-A-G. GRCh37 (hg19) VCF-style: chr15-45391642-A-G.
Other names: c.3454T>C, p.Phe1152Leu (NM_014080.5); short protein forms F1152L.
Identifiers: ClinVar variation 2856629 (VCV002856629.3), dbSNP rs2504748885, ClinGen allele CA392259203.
Genomic context (GRCh38, chr15:45,099,444, plus strand): 5'-CATCATTCACAAAGACGTTGGGGAATATGCAGGCCAGCAGGCTGAGTGGGCTGACTGAGA[A>G]GATGTAGACATTGACTGCGTGGCCAGCACTGTGCAAAACTGGAAGAGACAGACCCTGTTA-3'
Protein context (NP_001350640.1, residues 1142-1162): SAGHAVNVYI[Phe1152Leu]SVSPLSLLAC

ClinVar aggregate classification (germline): Uncertain significance (1 of 4 stars; one submission).

Submission:

Labcorp Genetics (formerly Invitae), Labcorp
Classification: Uncertain significance. Last evaluated: 2023-04-15. Review status: criteria provided, single submitter. Criteria: Invitae Variant Classification Sherloc (09022015). Collection method: clinical testing. Allele origin: germline.
Comment: In summary, the available evidence is currently insufficient to determine the role of this variant in disease. Therefore, it has been classified as a Variant of Uncertain Significance. Advanced modeling of protein sequence and biophysical properties (such as structural, functional, and spatial information, amino acid conservation, physicochemical variation, residue mobility, and thermodynamic stability) performed at Invitae indicates that this missense variant is not expected to disrupt DUOX2 protein function. This variant has not been reported in the literature in individuals affected with DUOX2-related conditions. This variant is not present in population databases (gnomAD no frequency). This sequence change replaces phenylalanine, which is neutral and non-polar, with leucine, which is neutral and non-polar, at codon 1152 of the DUOX2 protein (p.Phe1152Leu).